The following is an entry in ClinVar:

ClinVar aggregate classification (germline): Likely pathogenic (1 of 4 stars; one submission).

Conditions:
RP1-related recessive retinopathy. Identifiers: MedGen CN322605, MONDO:0800399.

Submission:

Department of Ophthalmology, Seoul National University Bundang Hospital
Classification: Likely pathogenic for RP1-related recessive retinopathy. Last evaluated: 2026-10-19. Review status: criteria provided, single submitter. Criteria: ACMG Guidelines, 2015. Collection method: clinical testing. Allele origin: germline. Inheritance: Autosomal recessive inheritance. Affected: yes.
Comment: Nonsense variant in exon 4. Identified in a Korean multicenter RP1 cohort (PMID:42847597) with recessive retinitis pigmentosa. ACMG/AMP criteria: PVS1, PM2.

Literature cited by the submitters: PubMed 42847597.

NM_006269.2(RP1):c.979C>T (p.Gln327Ter)

Gene: RP1 (RP1 axonemal microtubule associated; plus strand). Cytogenetic location: 8q12.1.
Variant type: single nucleotide variant.
Coding change: c.979C>T on transcript NM_006269.2 (MANE Select); coding-DNA position 979, C replaced by T.
Protein change: p.Gln327Ter; replaces glutamine 327 with a stop codon.
Molecular consequence: nonsense. On other transcripts: intron variant (1).
Genome position (GRCh38, 1-based): chr8:54,624,861, C>T. VCF-style: chr8-54624861-C-T. GRCh37 (hg19) VCF-style: chr8-55537421-C-T.
Other names: p.Gln327*; c.787+2573C>T (NM_001375654.1); short protein forms Q327*.
Identifiers: ClinVar variation 5042635 (VCV005042635.1).
Genomic context (GRCh38, chr8:54,624,861, plus strand): 5'-TCTCAGAATTTACCAATATATCCTTCTGAAGATGATATTGAGAAATCAATTATTTTTAAT[C>T]AAGACGGCACTATGACAGTTGAGATGAAAGTTCGATTCAGAATAAAAGAGGAAGAAACCA-3'